The following is an entry in ClinVar:

NM_018429.3(BDP1):c.3839C>G (p.Ala1280Gly)

Gene: BDP1 (BDP1 general transcription factor IIIB subunit; plus strand). Cytogenetic location: 5q13.2.
Variant type: single nucleotide variant.
Coding change: c.3839C>G on transcript NM_018429.3 (MANE Select); coding-DNA position 3839, C replaced by G.
Protein change: p.Ala1280Gly; replaces alanine 1280 with glycine.
Molecular consequence: missense variant.
Genome position (GRCh38, 1-based): chr5:71,510,931, C>G. VCF-style: chr5-71510931-C-G. GRCh37 (hg19) VCF-style: chr5-70806758-C-G.
Other names: short protein forms A1280G.
Identifiers: ClinVar variation 1181916 (VCV001181916.4), dbSNP rs555865529, ClinGen allele CA3296539.

ClinVar aggregate classification (germline): Benign. Review status: criteria provided, multiple submitters, no conflicts (2 of 4 stars). 3 submissions from 3 submitters: Benign (2). 1 of the submissions does not count toward it. Last evaluated 2021-03-03.

Conditions:
BDP1-related disorder. Also called: BDP1-related condition.

Allele frequency attached by ClinVar (database versions not stated): gnomAD 0.00004 and 0.00061; TOPMed 0.00014; gnomAD exomes 0.00107 and 0.00215; ExAC 0.00236; 1000 Genomes Project 30x 0.00562; 1000 Genomes Project 0.00599.
gnomAD v4.1: 1,667 of 1,613,962 alleles (0.1%); highest among the groups gnomAD compares: South Asian, 1.7%; 31 homozygotes.

Submissions (3):

Athena Diagnostics
Classification: Benign. Last evaluated: 2021-03-03. Review status: criteria provided, single submitter. Criteria: Athena Diagnostics criteria. Collection method: clinical testing. Allele origin: unknown.

GeneDx
Classification: Benign. Last evaluated: 2018-12-21. Review status: criteria provided, single submitter. Criteria: GeneDx Variant Classification Process June 2021. Collection method: clinical testing. Allele origin: germline. Affected: yes.

PreventionGenetics, part of Exact Sciences
Classification: Benign for BDP1-related condition. Last evaluated: 2024-08-11. Review status: no assertion criteria provided. Collection method: clinical testing. Allele origin: germline. Not counted in ClinVar's aggregate classification.
Comment: This variant is classified as benign based on ACMG/AMP sequence variant interpretation guidelines (Richards et al. 2015 PMID: 25741868, with internal and published modifications).